The following is an entry in ClinVar:

NM_001875.5(CPS1):c.3194C>A (p.Ala1065Glu)

Gene: CPS1 (carbamoyl-phosphate synthase 1; plus strand). Cytogenetic location: 2q34.
Variant type: single nucleotide variant.
Coding change: c.3194C>A on transcript NM_001875.5 (MANE Select); coding-DNA position 3194, C replaced by A.
Protein change: p.Ala1065Glu; replaces alanine 1065 with glutamic acid.
Molecular consequence: missense variant. On other transcripts: non-coding transcript variant (2).
Genome position (GRCh38, 1-based): chr2:210,647,915, C>A. VCF-style: chr2-210647915-C-A. GRCh37 (hg19) VCF-style: chr2-211512639-C-A.
Other names: c.3194C>A, p.Ala1065Glu (NM_001122633.3, NM_001369257.1); c.3227C>A, p.Ala1076Glu (NM_001369256.1); c.3194C>A (LRG_336t1); short protein forms A1065E, A1076E.
Identifiers: ClinVar variation 558135 (VCV000558135.32), dbSNP rs770471782, ClinGen allele CA2086861.

ClinVar aggregate classification (germline): Uncertain significance. Review status: criteria provided, multiple submitters, no conflicts (2 of 4 stars). 4 submissions from 4 submitters: Uncertain significance (3). 1 of the submissions does not count toward it. Last evaluated 2024-07-18.

Conditions:
Congenital hyperammonemia, type I. Also called: CPS I DEFICIENCY; Carbamoyl phosphate synthetase 1 deficiency; Hyperammonemia due to carbamoyl phosphate synthetase 1 deficiency; CPS 1 deficiency; Carbamyl phosphate synthetase (CPS) deficiency; Carbamoyl phosphate synthetase I deficiency disease. Identifiers: Orphanet 147, MedGen C4082171, MONDO:0009376, OMIM 237300.

Allele frequency attached by ClinVar (database versions not stated): ExAC 0.00001; gnomAD exomes 0.00001.
gnomAD v4.1: 13 of 1,614,044 alleles (0.00081%); highest among the groups gnomAD compares: Non-Finnish European, 0.001%; no homozygotes.

Submissions (4):

Women's Health and Genetics/Laboratory Corporation of America, LabCorp
Classification: Uncertain significance. Last evaluated: 2024-07-18. Review status: criteria provided, single submitter. Criteria: LabCorp Variant Classification Summary - May 2015. Collection method: clinical testing. Allele origin: germline.
Comment: Variant summary: CPS1 c.3194C>A (p.Ala1065Glu) results in a non-conservative amino acid change in the encoded protein sequence. Five of five in-silico tools predict a damaging effect of the variant on protein function. The variant allele was found at a frequency of 8e-06 in 251268 control chromosomes. The available data on variant occurrences in the general population are insufficient to allow any conclusion about variant significance. c.3194C>A has been reported in the literature in an unknown state in at least 1 individual affected with Carbamoylphosphate Synthetase I Deficiency (example, Haberle_2011). These report(s) do not provide unequivocal conclusions about association of the variant with Carbamoylphosphate Synthetase I Deficiency. To our knowledge, no experimental evidence demonstrating an impact on protein function has been reported. The following publication has been ascertained in the context of this evaluation (PMID: 21120950). ClinVar contains an entry for this variant (Variation ID: 558135). Based on the evidence outlined above, the variant was classified as uncertain significance.

CeGaT Center for Human Genetics Tuebingen
Classification: Uncertain significance. Last evaluated: 2023-07-01. Review status: criteria provided, single submitter. Criteria: CeGaT Center For Human Genetics Tuebingen Variant Classification Criteria Version 2. Collection method: clinical testing. Allele origin: germline. Affected: yes. Observed: 2 variant alleles.
Comment: CPS1: PM2, PP3, PP4

Labcorp Genetics (formerly Invitae), Labcorp
Classification: Uncertain significance for Congenital hyperammonemia, type I. Last evaluated: 2022-01-15. Review status: criteria provided, single submitter. Criteria: Invitae Variant Classification Sherloc (09022015). Collection method: clinical testing. Allele origin: germline.
Comment: This sequence change replaces alanine, which is neutral and non-polar, with glutamic acid, which is acidic and polar, at codon 1065 of the CPS1 protein (p.Ala1065Glu). This variant is present in population databases (rs770471782, gnomAD 0.002%). This missense change has been observed in individual(s) with carbamoyl phosphate synthetase I deficiency (PMID: 21120950). ClinVar contains an entry for this variant (Variation ID: 558135). Algorithms developed to predict the effect of missense changes on protein structure and function are either unavailable or do not agree on the potential impact of this missense change (SIFT: "Deleterious"; PolyPhen-2: "Probably Damaging"; Align-GVGD: "Class C0"). In summary, the available evidence is currently insufficient to determine the role of this variant in disease. Therefore, it has been classified as a Variant of Uncertain Significance.

Counsyl
Classification: Uncertain significance for Congenital hyperammonemia, type I. Last evaluated: 2018-05-03. Review status: no assertion criteria provided. Collection method: clinical testing. Allele origin: unknown. Not counted in ClinVar's aggregate classification.

Literature cited by the submitters: PubMed 21120950 (cited by 3 submitters).